The following is an entry in ClinVar:

NM_001553.3(IGFBP7):c.101C>A (p.Pro34His)

Genes: IGFBP7 (insulin like growth factor binding protein 7; minus strand), IGFBP7-AS1 (IGFBP7 antisense RNA 1; plus strand). Cytogenetic location: 4q12.
Variant type: single nucleotide variant.
Coding change: c.101C>A on transcript NM_001553.3 (MANE Select); coding-DNA position 101, C replaced by A.
Protein change: p.Pro34His; replaces proline 34 with histidine.
Molecular consequence: missense variant.
Genome position (GRCh38, 1-based): chr4:57,110,251, G>T on the plus strand (C>A on the coding strand, the complement: IGFBP7 is on the minus strand). VCF-style: chr4-57110251-G-T. GRCh37 (hg19) VCF-style: chr4-57976417-G-T.
Other names: c.101C>A, p.Pro34His (NM_001253835.2); short protein forms P34H.
Identifiers: ClinVar variation 3045023 (VCV003045023.2), dbSNP rs570122247, ClinGen allele CA2934131.
Genomic context (GRCh38, chr4:57,110,251, plus strand): 5'-CGGGTCTCGCCCAGCAGGCAGCCCAGCGGGGGCAGGGGCGGGCAGGAGGCCGGCTCGCAG[G>T]GGCCGCAGGTGTCCGAAGAGGAGGAAGAGGAGAGGGGCAGGAGCAGGAGCAGCAGCCCAG-3'
Protein context (NP_001544.1, residues 24-44): SSSSSSDTCG[Pro34His]CEPASCPPLP

ClinVar aggregate classification (germline): Likely benign (0 of 4 stars; one submission).

Conditions:
IGFBP7-related disorder. Also called: IGFBP7-related condition.

Allele frequency attached by ClinVar (database versions not stated): TOPMed 0.00003; gnomAD 0.00011; 1000 Genomes Project 30x 0.00062; 1000 Genomes Project 0.00100; ExAC 0.00785.
gnomAD v4.1: 359 of 1,399,708 alleles (0.026%); highest among the groups gnomAD compares: South Asian, 0.52%; 5 homozygotes.

Submission:

PreventionGenetics, part of Exact Sciences
Classification: Likely benign for IGFBP7-related condition. Last evaluated: 2022-12-28. Review status: no assertion criteria provided. Collection method: clinical testing. Allele origin: germline.
Comment: This variant is classified as likely benign based on ACMG/AMP sequence variant interpretation guidelines (Richards et al. 2015 PMID: 25741868, with internal and published modifications).